The following is an entry in ClinVar:

NM_005120.3(MED12):c.3658G>A (p.Val1220Met)

Gene: MED12 (mediator complex subunit 12; plus strand). Cytogenetic location: Xq13.1.
Variant type: single nucleotide variant.
Coding change: c.3658G>A on transcript NM_005120.3 (MANE Select); coding-DNA position 3658, G replaced by A.
Protein change: p.Val1220Met; replaces valine 1220 with methionine.
Molecular consequence: missense variant.
Genome position (GRCh38, 1-based): chrX:71,129,396, G>A. VCF-style: chrX-71129396-G-A. GRCh37 (hg19) VCF-style: chrX-70349246-G-A.
Other names: c.3658G>A (NM_005120.2); short protein forms V1220M.
Identifiers: ClinVar variation 1525695 (VCV001525695.7), dbSNP rs1236099919, ClinGen allele CA413520368.

ClinVar aggregate classification (germline): Uncertain significance. Review status: criteria provided, multiple submitters, no conflicts (2 of 4 stars). 2 submissions from 2 submitters: Uncertain significance (2). Last evaluated 2023-06-29.

Conditions:
FG syndrome (FGS). Identifiers: MedGen C0220769, MONDO:0002010.

Allele frequency attached by ClinVar (database versions not stated): gnomAD exomes below 0.00001 and 0.00001.
gnomAD v4.1: 5 of 1,207,936 alleles (0.00041%); highest among the groups gnomAD compares: Admixed American, 0.0022%; no homozygotes.

Submissions (2):

GeneDx
Classification: Uncertain significance. Last evaluated: 2023-06-29. Review status: criteria provided, single submitter. Criteria: GeneDx Variant Classification Process June 2021. Collection method: clinical testing. Allele origin: germline. Affected: yes.
Comment: Has not been previously reported as a pathogenic or benign germline variant to our knowledge; In silico analysis supports that this missense variant does not alter protein structure/function; Not observed at significant frequency in large population cohorts (gnomAD); This variant is associated with the following publications: (PMID: 30923040)

Labcorp Genetics (formerly Invitae), Labcorp
Classification: Uncertain significance for FG syndrome. Last evaluated: 2021-08-05. Review status: criteria provided, single submitter. Criteria: Invitae Variant Classification Sherloc (09022015). Collection method: clinical testing. Allele origin: germline.
Comment: This variant is not present in population databases (ExAC no frequency). This sequence change replaces valine with methionine at codon 1220 of the MED12 protein (p.Val1220Met). The valine residue is highly conserved and there is a small physicochemical difference between valine and methionine. This variant has not been reported in the literature in individuals affected with MED12-related conditions. In summary, the available evidence is currently insufficient to determine the role of this variant in disease. Therefore, it has been classified as a Variant of Uncertain Significance. Advanced modeling of protein sequence and biophysical properties (such as structural, functional, and spatial information, amino acid conservation, physicochemical variation, residue mobility, and thermodynamic stability) performed at Invitae indicates that this missense variant is expected to disrupt MED12 protein function.